The following is an entry in ClinVar:

ClinVar aggregate classification (germline): Conflicting classifications of pathogenicity. Review status: criteria provided, conflicting classifications (1 of 4 stars). 16 submissions from 16 submitters: Uncertain significance (3); Benign (2); Likely benign (7). 4 of the submissions do not count toward it. Last evaluated 2026-02-02.

Conditions:
Autosomal recessive nonsyndromic hearing loss 97. Also called: Deafness, autosomal recessive 97. Identifiers: Orphanet 90636, MedGen C4084709, MONDO:0014739, OMIM 616705.
Renal cell carcinoma. Identifiers: Orphanet 217071, MedGen C0007134, MeSH D002292, MONDO:0005086, HP:0005584.
Hereditary cancer-predisposing syndrome. Also called: Tumor predisposition; Neoplastic Syndromes, Hereditary; Hereditary Cancer Syndrome; Hereditary neoplastic syndrome. Identifiers: Orphanet 140162, MedGen C0027672, MeSH D009386, MONDO:0015356.
Papillary renal cell carcinoma type 1 (RCCP1). Also called: RENAL CELL CARCINOMA, PAPILLARY, 1, SOMATIC; Renal adenocarcinoma; Renal cell carcinoma 1; Renal cell carcinoma, somatic. Identifiers: Orphanet 47044, MedGen C1336839, OMIM 605074, HP:0011797.
Intellectual disability. Also called: Intellectual functioning disability; Intellectual developmental disorder; intellectual disabilities. Identifiers: MedGen C3714756, MeSH D008607, MONDO:0001071, HP:0001249.

Allele frequency attached by ClinVar (database versions not stated): 1000 Genomes Project 0.00020; gnomAD exomes 0.00028 and 0.00060; ESP Exome Variant Server 0.00033; 1000 Genomes Project 30x 0.00016; TOPMed 0.00046; gnomAD 0.00050 and 0.00053; ExAC 0.00068.
gnomAD v4.1: 497 of 1,614,052 alleles (0.031%); highest among the groups gnomAD compares: Admixed American, 0.16%; 1 homozygote.

Submissions (16):

Labcorp Genetics (formerly Invitae), Labcorp
Classification: Benign for Renal cell carcinoma. Last evaluated: 2026-02-02. Review status: criteria provided, single submitter. Criteria: Invitae Variant Classification Sherloc (09022015). Collection method: clinical testing. Allele origin: germline.

Dasa
Classification: Uncertain significance. Last evaluated: 2025-11-07. Review status: criteria provided, single submitter. Criteria: DASA Assertion Criteria. Collection method: clinical testing. Allele origin: germline.
Comment: NM_000245.4(MET):c.607T>A (p.Ser203Thr) is a missense variant that results in the substitution of serine with threonine. This classification is supported by population frequency inconsistent with a disease-causing role. The currently available literature and clinical evidence are not sufficient to establish a definitive association between this variant and the reported condition. Therefore, this variant is classified as a variant of uncertain significance.

ARUP Laboratories, Molecular Genetics and Genomics, ARUP Laboratories
Classification: Likely benign. Last evaluated: 2025-04-08. Review status: criteria provided, single submitter. Criteria: ARUP Molecular Germline Variant Investigation Process 2024. Collection method: clinical testing. Allele origin: germline.

Laboratory of Genetics, Children's Clinical University Hospital Latvia
Classification: Likely benign. Last evaluated: 2025-02-16. Review status: criteria provided, single submitter. Criteria: ACMG Guidelines, 2015. Collection method: clinical testing. Allele origin: germline. Affected: yes.

Myriad Genetics, Inc.
Classification: Likely benign for Papillary renal cell carcinoma type 1. Last evaluated: 2024-11-06. Review status: criteria provided, single submitter. Criteria: Myriad Autosomal Dominant, Autosomal Recessive and X-Linked Classification Criteria (2023). Collection method: clinical testing. Allele origin: unknown.
Comment: This variant is considered likely benign. This variant has been observed at a population frequency that is significantly greater than expected given the associated disease prevalence and penetrance.

Blueprint Genetics
Classification: Likely benign. Last evaluated: 2024-08-31. Review status: criteria provided, single submitter. Criteria: ACMG Guidelines, 2015. Collection method: clinical testing. Allele origin: germline.

Sema4
Classification: Likely benign for Hereditary cancer-predisposing syndrome. Last evaluated: 2021-05-03. Review status: criteria provided, single submitter. Criteria: Sema4 Curation Guidelines. Collection method: curation. Allele origin: germline.

Women's Health and Genetics/Laboratory Corporation of America, LabCorp
Classification: Benign. Last evaluated: 2021-01-30. Review status: criteria provided, single submitter. Criteria: LabCorp Variant Classification Summary - May 2015. Collection method: clinical testing. Allele origin: germline.
Comment: Variant summary: MET c.607T>A (p.Ser203Thr) results in a conservative amino acid change located in the Sema domain (IPR001627) of the encoded protein sequence. Five of five in-silico tools predict a benign effect of the variant on protein function. The variant allele was found at a frequency of 0.0006 in 248020 control chromosomes in the gnomAD database, including 1 homozygote. The observed variant frequency is approximately 400 fold of the estimated maximal expected allele frequency for a pathogenic variant in MET causing Papillary Renal Cell Carcinoma phenotype (1.5e-06), strongly suggesting that the variant is benign. To our knowledge, no occurrence of c.607T>A in individuals affected with Papillary Renal Cell Carcinoma and no experimental evidence demonstrating its impact on protein function have been reported. Four clinical diagnostic laboratories have submitted clinical-significance assessments for this variant to ClinVar after 2014 without evidence for independent evaluation and classified the variant predominantly as benign/likely benign (n=4). Based on the evidence outlined above, the variant was classified as benign.

Ambry Genetics
Classification: Likely benign for Hereditary cancer-predisposing syndrome. Last evaluated: 2018-07-10. Review status: criteria provided, single submitter. Criteria: Ambry Variant Classification Scheme 2023. Collection method: clinical testing. Allele origin: germline.

Baylor Genetics
Classification: Uncertain significance for Autosomal recessive nonsyndromic hearing loss 97. Last evaluated: 2018-01-30. Review status: criteria provided, single submitter. Criteria: ACMG Guidelines, 2015. Collection method: clinical testing. Allele origin: paternal. Affected: yes.
Comment: This variant was determined to be of uncertain significance according to ACMG Guidelines, 2015 [PMID:25741868].

GeneDx
Classification: Likely benign. Last evaluated: 2017-08-29. Review status: criteria provided, single submitter. Criteria: GeneDx Variant Classification (06012015). Collection method: clinical testing. Allele origin: germline. Affected: yes.
Comment: This variant is considered likely benign or benign based on one or more of the following criteria: it is a conservative change, it occurs at a poorly conserved position in the protein, it is predicted to be benign by multiple in silico algorithms, and/or has population frequency not consistent with disease.

CeGaT Center for Human Genetics Tuebingen
Classification: Uncertain significance. Last evaluated: 2017-03-01. Review status: criteria provided, single submitter. Criteria: CeGaT Center For Human Genetics Tuebingen Variant Classification Criteria Version 2. Collection method: clinical testing. Allele origin: germline. Affected: yes. Observed: 1 variant allele.

Centre de Biologie Pathologie Génétique, Centre Hospitalier Universitaire de Lille
Classification: Likely benign for Intellectual disability. Last evaluated: 2019-01-01. Review status: no assertion criteria provided. Collection method: clinical testing. Allele origin: inherited. Affected: yes. Not counted in ClinVar's aggregate classification.

Biesecker Lab/Clinical Genomics Section, National Institutes of Health
Classification: Uncertain significance. Last evaluated: 2012-07-13. Review status: no assertion criteria provided. Collection method: research. Allele origin: germline. Affected: no. Observed: 1 variant allele. Study: ClinSeq. Not counted in ClinVar's aggregate classification.
ClinVar note: Converted during submission from variant of unknown significance to Uncertain significance.

Clinical Genetics DNA and cytogenetics Diagnostics Lab, Erasmus MC, Erasmus Medical Center
Classification: Likely benign. Review status: no assertion criteria provided. Collection method: clinical testing. Allele origin: germline. Affected: yes. Study: VKGL Data-share Consensus. Not counted in ClinVar's aggregate classification.

Joint Genome Diagnostic Labs from Nijmegen and Maastricht, Radboudumc and MUMC+
Classification: Likely benign. Review status: no assertion criteria provided. Collection method: clinical testing. Allele origin: germline. Affected: yes. Study: VKGL Data-share Consensus. Not counted in ClinVar's aggregate classification.

NM_000245.4(MET):c.607T>A (p.Ser203Thr)

Gene: MET (MET proto-oncogene, receptor tyrosine kinase; plus strand). Cytogenetic location: 7q31.2.
Variant type: single nucleotide variant.
Coding change: c.607T>A on transcript NM_000245.4 (MANE Select); coding-DNA position 607, T replaced by A.
Protein change: p.Ser203Thr; replaces serine 203 with threonine.
Molecular consequence: missense variant. On other transcripts: intron variant (1).
Genome position (GRCh38, 1-based): chr7:116,699,691, T>A. VCF-style: chr7-116699691-T-A. GRCh37 (hg19) VCF-style: chr7-116339745-T-A.
Other names: c.607T>A, p.Ser203Thr (NM_001127500.3, NM_001324401.3); c.-91+27114T>A (NM_001324402.2); short protein forms S203T.
Identifiers: ClinVar variation 41628 (VCV000041628.69), dbSNP rs200861145, ClinGen allele CA188271.